The following is an entry in ClinVar:

ClinVar aggregate classification (germline): Uncertain significance (1 of 4 stars; one submission).

Conditions:
Progressive familial heart block type IB (PFHB1B). Identifiers: Orphanet 871, MedGen C1970298, MONDO:0011474, OMIM 604559.

gnomAD v4.1: 1 of 1,613,588 alleles (0.000062%); highest among the groups gnomAD compares: Non-Finnish European, 0.000085%; no homozygotes.

Submission:

Labcorp Genetics (formerly Invitae), Labcorp
Classification: Uncertain significance for Progressive familial heart block type IB. Last evaluated: 2024-07-30. Review status: criteria provided, single submitter. Criteria: Invitae Variant Classification Sherloc (09022015). Collection method: clinical testing. Allele origin: germline.
Comment: This sequence change creates a premature translational stop signal (p.Trp1000*) in the TRPM4 gene. It is expected to result in an absent or disrupted protein product. However, the current clinical and genetic evidence is not sufficient to establish whether loss-of-function variants in TRPM4 cause disease. This variant is present in population databases (rs753395542, gnomAD 0.0009%). This variant has not been reported in the literature in individuals affected with TRPM4-related conditions. In summary, the available evidence is currently insufficient to determine the role of this variant in disease. Therefore, it has been classified as a Variant of Uncertain Significance.

NM_017636.4(TRPM4):c.3000G>A (p.Trp1000Ter)

Gene: TRPM4 (transient receptor potential cation channel subfamily M member 4; plus strand). Cytogenetic location: 19q13.33.
Variant type: single nucleotide variant.
Coding change: c.3000G>A on transcript NM_017636.4 (MANE Select); coding-DNA position 3000, G replaced by A.
Protein change: p.Trp1000Ter; replaces tryptophan 1000 with a stop codon.
Molecular consequence: nonsense.
Genome position (GRCh38, 1-based): chr19:49,202,010, G>A. VCF-style: chr19-49202010-G-A. GRCh37 (hg19) VCF-style: chr19-49705267-G-A.
Other names: c.2565G>A, p.Trp855Ter (NM_001195227.2); c.2655G>A, p.Trp885Ter (NM_001321281.2); c.1392G>A, p.Trp464Ter (NM_001321282.2); c.2478G>A, p.Trp826Ter (NM_001321283.2); c.1938G>A, p.Trp646Ter (NM_001321285.2); short protein forms W464*, W826*, W855*, W885*, W1000*, W646*.
Identifiers: ClinVar variation 3730165 (VCV003730165.2).